The following is an entry in ClinVar:

ClinVar aggregate classification (germline): Uncertain significance (1 of 4 stars; one submission).

Allele frequency attached by ClinVar (database versions not stated): gnomAD exomes 0.00001.
gnomAD v4.1: 17 of 1,544,558 alleles (0.0011%); highest among the groups gnomAD compares: African/African-American, 0.0068%; no homozygotes.

Submission:

Labcorp Genetics (formerly Invitae), Labcorp
Classification: Uncertain significance. Last evaluated: 2025-01-27. Review status: criteria provided, single submitter. Criteria: Invitae Variant Classification Sherloc (09022015). Collection method: clinical testing. Allele origin: germline.
Comment: This sequence change replaces proline, which is neutral and non-polar, with alanine, which is neutral and non-polar, at codon 2040 of the DSCAML1 protein (p.Pro2040Ala). The frequency data for this variant in the population databases is considered unreliable, as metrics indicate poor data quality at this position in the gnomAD database. This variant has not been reported in the literature in individuals affected with DSCAML1-related conditions. ClinVar contains an entry for this variant (Variation ID: 1436448). An algorithm developed to predict the effect of missense changes on protein structure and function (PolyPhen-2) suggests that this variant is likely to be tolerated. In summary, the available evidence is currently insufficient to determine the role of this variant in disease. Therefore, it has been classified as a Variant of Uncertain Significance.

NM_020693.4(DSCAML1):c.5938C>G (p.Pro1980Ala)

Gene: DSCAML1 (DS cell adhesion molecule like 1; minus strand). Cytogenetic location: 11q23.3.
Variant type: single nucleotide variant.
Coding change: c.5938C>G on transcript NM_020693.4 (MANE Select); coding-DNA position 5938, C replaced by G.
Protein change: p.Pro1980Ala; replaces proline 1980 with alanine.
Molecular consequence: missense variant.
Genome position (GRCh38, 1-based): chr11:117,428,552, G>C on the plus strand (C>G on the coding strand, the complement: DSCAML1 is on the minus strand). VCF-style: chr11-117428552-G-C. GRCh37 (hg19) VCF-style: chr11-117299268-G-C.
Other names: short protein forms P1980A.
Identifiers: ClinVar variation 1436448 (VCV001436448.6), dbSNP rs750034909, ClinGen allele CA6295921.